The following is an entry in ClinVar:

NM_001457.4(FLNB):c.7499C>A (p.Thr2500Asn)

Genes: FLNB (filamin B; plus strand), FLNB-AS1 (FLNB antisense RNA 1; minus strand). Cytogenetic location: 3p14.3.
Variant type: single nucleotide variant.
Coding change: c.7499C>A on transcript NM_001457.4 (MANE Select); coding-DNA position 7499, C replaced by A.
Protein change: p.Thr2500Asn; replaces threonine 2500 with asparagine.
Molecular consequence: missense variant.
Genome position (GRCh38, 1-based): chr3:58,169,671, C>A. VCF-style: chr3-58169671-C-A. GRCh37 (hg19) VCF-style: chr3-58155398-C-A.
Other names: c.7592C>A, p.Thr2531Asn (NM_001164317.2); c.7466C>A, p.Thr2489Asn (NM_001164318.2); c.7427C>A, p.Thr2476Asn (NM_001164319.2); short protein forms T2476N, T2489N, T2500N, T2531N.
Identifiers: ClinVar variation 3610815 (VCV003610815.2).
Genomic context (GRCh38, chr3:58,169,671, plus strand): 5'-GCTCAGCCAACGAGACCTCATCCATCCTGGTGGAGTCAGTGACCAGGTCGTCTACAGAGA[C>A]CTGCTATAGCGCCATTCCCAAGGCATCCTCGGACGCCAGCAAGGTGACCTCTAAGGGGGC-3'
Protein context (NP_001448.2, residues 2490-2510): VESVTRSSTE[Thr2500Asn]CYSAIPKASS

ClinVar aggregate classification (germline): Uncertain significance (1 of 4 stars; one submission).

gnomAD v4.1: 11 of 1,613,984 alleles (0.00068%); highest among the groups gnomAD compares: Non-Finnish European, 0.00093%; no homozygotes.

Submission:

Labcorp Genetics (formerly Invitae), Labcorp
Classification: Uncertain significance. Last evaluated: 2024-12-04. Review status: criteria provided, single submitter. Criteria: Invitae Variant Classification Sherloc (09022015). Collection method: clinical testing. Allele origin: germline.
Comment: This sequence change replaces threonine, which is neutral and polar, with asparagine, which is neutral and polar, at codon 2500 of the FLNB protein (p.Thr2500Asn). This variant is present in population databases (rs751710236, gnomAD 0.004%). This variant has not been reported in the literature in individuals affected with FLNB-related conditions. Invitae Evidence Modeling of protein sequence and biophysical properties (such as structural, functional, and spatial information, amino acid conservation, physicochemical variation, residue mobility, and thermodynamic stability) indicates that this missense variant is not expected to disrupt FLNB protein function with a negative predictive value of 95%. In summary, the available evidence is currently insufficient to determine the role of this variant in disease. Therefore, it has been classified as a Variant of Uncertain Significance.